The following is an entry in ClinVar:

ClinVar aggregate classification (germline): Uncertain significance (1 of 4 stars; one submission).

Conditions:
Intellectual disability-microcephaly-strabismus-behavioral abnormalities syndrome. Also called: White-Sutton Syndrome. Identifiers: Orphanet 468678, MedGen C4225351, MONDO:0014606, OMIM 616364.

Submission:

Laboratorio de Genetica e Diagnostico Molecular, Hospital Israelita Albert Einstein
Classification: Uncertain significance for Intellectual disability-microcephaly-strabismus-behavioral abnormalities syndrome. Last evaluated: 2023-12-15. Review status: criteria provided, single submitter. Criteria: ACMG Guidelines, 2015. Collection method: clinical testing. Allele origin: germline. Affected: yes.
Comment: ACMG classification criteria: PM2 moderate, PP2 supporting, BP4 supporting

NM_015100.4(POGZ):c.3041A>G (p.Gln1014Arg)

Gene: POGZ (pogo transposable element derived with ZNF domain; minus strand). Cytogenetic location: 1q21.3.
Variant type: single nucleotide variant.
Coding change: c.3041A>G on transcript NM_015100.4 (MANE Select); coding-DNA position 3041, A replaced by G.
Protein change: p.Gln1014Arg; replaces glutamine 1014 with arginine.
Molecular consequence: missense variant.
Genome position (GRCh38, 1-based): chr1:151,405,994, T>C on the plus strand (A>G on the coding strand, the complement: POGZ is on the minus strand). VCF-style: chr1-151405994-T-C. GRCh37 (hg19) VCF-style: chr1-151378470-T-C.
Other names: c.3014A>G, p.Gln1005Arg (NM_001194937.2); c.2855A>G, p.Gln952Arg (NM_001194938.2); c.3062A>G, p.Gln1021Arg (NM_001410860.1); c.2756A>G, p.Gln919Arg (NM_145796.4); c.2882A>G, p.Gln961Arg (NM_207171.2); short protein forms Q1005R, Q1014R, Q1021R, Q919R, Q952R, Q961R.
Identifiers: ClinVar variation 4056745 (VCV004056745.1).
Genomic context (GRCh38, chr1:151,405,994, plus strand): 5'-CACTCAGCCAGTTTCTCTTCTGCCTCAAAGCTCAGATATTTGCCCTCTAGATTCTCCCCC[T>C]GGGAGGCCTGGAAACGTCGAAGCCAACGGCGAATACGTCGCTGGGGATTTCGGAAGTGTT-3'
Protein context (NP_055915.2, residues 1004-1024): RRWLRRFQAS[Gln1014Arg]GENLEGKYLS